The following is an entry in ClinVar:

NM_004655.4(AXIN2):c.74del (p.Pro25fs)

Gene: AXIN2 (axin 2; minus strand). Cytogenetic location: 17q24.1.
Variant type: Deletion.
Coding change: c.74del on transcript NM_004655.4 (MANE Select); coding-DNA position 74, one base deleted (C; older notation c.74delC).
Protein change: p.Pro25fs; shifts the reading frame from proline 25.
Molecular consequence: frameshift variant.
Genome position (GRCh38, 1-based): chr17:65,558,547, G deleted on the plus strand (C on the coding strand, the reverse complement: AXIN2 is on the minus strand); the first of 5 consecutive G bases (chr17:65,558,547-65,558,551); deleting any one gives the same sequence. VCF-style (leftmost placement, unchanged base first): chr17-65558546-TG-T. GRCh37 (hg19) VCF-style: chr17-63554664-TG-T.
Other names: c.74delC (NM_004655.3); c.74del, p.Pro25fs (NM_001363813.1); short protein forms P25fs.
Identifiers: ClinVar variation 2583406 (VCV002583406.4), dbSNP rs746837986, ClinGen allele CA8719107.
Genomic context (GRCh38, chr17:65,558,546, plus strand): 5'-GACCTGGCCCTTGCCCACCCCTGGCTGACACGGTGGGGTCTCCCCTTCTTCCCCTGGCAC[TG>T]GGGGCCGCGGGGCATCCTCACGGAAGCTGCTGCTGGGGTCCGGGAGGCAAGTCACCAACA-3'

ClinVar aggregate classification (germline): Pathogenic/Likely pathogenic. Review status: criteria provided, multiple submitters, no conflicts (2 of 4 stars). 3 submissions from 3 submitters: Pathogenic (2); Likely pathogenic (1). Last evaluated 2024-10-02.

Conditions:
Hereditary cancer-predisposing syndrome. Also called: Tumor predisposition; Hereditary neoplastic syndrome; Neoplastic Syndromes, Hereditary; Hereditary Cancer Syndrome. Identifiers: Orphanet 140162, MedGen C0027672, MeSH D009386, MONDO:0015356.
Colorectal cancer. Also called: Colorectal cancer, somatic; Malignant Colorectal Neoplasm. Identifiers: MedGen C0346629, MONDO:0005575, OMIM 114500.
Oligodontia-cancer predisposition syndrome. Also called: TOOTH AGENESIS-COLORECTAL CANCER SYNDROME. Identifiers: Orphanet 300576, MedGen C1837750, MONDO:0012075, OMIM 608615. Disease mechanism: loss of function.

Submissions (3):

Ambry Genetics
Classification: Pathogenic for Hereditary cancer-predisposing syndrome. Last evaluated: 2024-10-02. Review status: criteria provided, single submitter. Criteria: Ambry Variant Classification Scheme 2023. Collection method: clinical testing. Allele origin: germline.
Comment: The c.74delC pathogenic mutation, located in coding exon 1 of the AXIN2 gene, results from a deletion of one nucleotide at nucleotide position 74, causing a translational frameshift with a predicted alternate stop codon (p.P25Qfs*51). This variant is considered to be rare based on population cohorts in the Genome Aggregation Database (gnomAD). This alteration is expected to result in loss of function by premature protein truncation or nonsense-mediated mRNA decay. As such, this alteration is interpreted as a disease-causing mutation.

Baylor Genetics
Classification: Likely pathogenic for Colorectal cancer. Last evaluated: 2023-05-24. Review status: criteria provided, single submitter. Criteria: ACMG Guidelines, 2015. Collection method: clinical testing. Allele origin: unknown.

Myriad Genetics, Inc.
Classification: Pathogenic for Oligodontia-cancer predisposition syndrome. Last evaluated: 2023-05-17. Review status: criteria provided, single submitter. Criteria: Myriad Autosomal Dominant, Autosomal Recessive and X-Linked Classification Criteria (2023). Collection method: clinical testing. Allele origin: unknown.
Comment: This variant is considered pathogenic. This variant creates a frameshift predicted to result in premature protein truncation.